The following is an entry in ClinVar:

NM_024675.4(PALB2):c.2505C>T (p.Ser835=)

Gene: PALB2 (partner and localizer of BRCA2; minus strand). Cytogenetic location: 16p12.2.
Variant type: single nucleotide variant.
Coding change: c.2505C>T on transcript NM_024675.4 (MANE Select); coding-DNA position 2505, C replaced by T.
Protein change: p.Ser835=; no amino-acid change (serine 835 retained).
Molecular consequence: synonymous variant.
Genome position (GRCh38, 1-based): chr16:23,629,649, G>A on the plus strand (C>T on the coding strand, the complement: PALB2 is on the minus strand). VCF-style: chr16-23629649-G-A. GRCh37 (hg19) VCF-style: chr16-23640970-G-A.
Identifiers: ClinVar variation 197859 (VCV000197859.33), dbSNP rs756502783, ClinGen allele CA246241.
Genomic context (GRCh38, chr16:23,629,649, plus strand): 5'-TAAGGCATTTCATTCCTTCAGAGAAAATTTCACAGAGGAAATGGATTGTACCTGTTCGAC[G>A]GAATGTTTATGCAGCTCCTGGCATGTGTTTCTACAGAGCTGATTTTCTTTAAAAGTGAAT-3'
Protein context (NP_078951.2, residues 825-845): RNTCQELHKH[Ser835=]VEQTETAELP

ClinVar aggregate classification (germline): Conflicting classifications of pathogenicity. Review status: criteria provided, conflicting classifications (1 of 4 stars). 13 submissions from 13 submitters: Uncertain significance (1); Benign (1); Likely benign (7). 4 of the submissions do not count toward it. Last evaluated 2025-12-01.

Conditions:
Hereditary cancer-predisposing syndrome. Also called: Neoplastic Syndromes, Hereditary; Hereditary Cancer Syndrome; Tumor predisposition; Hereditary neoplastic syndrome. Identifiers: Orphanet 140162, MedGen C0027672, MeSH D009386, MONDO:0015356.
Familial cancer of breast. Also called: hereditary breast carcinoma; BREAST CANCER, FAMILIAL; Hereditary breast cancer. Identifiers: Orphanet 227535, MedGen C0346153, MONDO:0016419, OMIM 114480. Disease mechanism: loss of function.
Malignant tumor of breast. Also called: Malignant breast neoplasm; Cancer breast. Identifiers: MedGen C0006142, MONDO:0007254. Disease mechanism: loss of function.

Allele frequency attached by ClinVar (database versions not stated): ExAC 0.00001; gnomAD 0.00001; gnomAD exomes 0.00001; TOPMed 0.00002.
gnomAD v4.1: 23 of 1,613,834 alleles (0.0014%); highest among the groups gnomAD compares: Middle Eastern, 0.033%; no homozygotes.

Submissions (13):

Labcorp Genetics (formerly Invitae), Labcorp
Classification: Likely benign for Familial cancer of breast. Last evaluated: 2025-12-01. Review status: criteria provided, single submitter. Criteria: Invitae Variant Classification Sherloc (09022015). Collection method: clinical testing. Allele origin: germline.

Center for Genomic Medicine, Rigshospitalet, Copenhagen University Hospital
Classification: Likely benign. Last evaluated: 2025-03-04. Review status: criteria provided, single submitter. Criteria: ACMG Guidelines, 2015. Collection method: clinical testing. Allele origin: germline.

Myriad Genetics, Inc.
Classification: Benign for Familial cancer of breast. Last evaluated: 2025-01-16. Review status: criteria provided, single submitter. Criteria: Myriad Autosomal Dominant, Autosomal Recessive and X-Linked Classification Criteria (2023). Collection method: clinical testing. Allele origin: unknown.
Comment: This variant is considered benign. This variant is a silent/synonymous amino acid change and it is not expected to impact splicing.

Blueprint Genetics
Classification: Likely benign. Last evaluated: 2024-09-20. Review status: criteria provided, single submitter. Criteria: ACMG Guidelines, 2015. Collection method: clinical testing. Allele origin: germline.

Ambry Genetics
Classification: Likely benign for Hereditary cancer-predisposing syndrome. Last evaluated: 2024-04-26. Review status: criteria provided, single submitter. Criteria: Ambry Variant Classification Scheme 2023. Collection method: clinical testing. Allele origin: germline.

Sema4
Classification: Likely benign for Hereditary cancer-predisposing syndrome. Last evaluated: 2020-08-12. Review status: criteria provided, single submitter. Criteria: Sema4 Curation Guidelines. Collection method: curation. Allele origin: germline.

GeneDx
Classification: Likely benign. Last evaluated: 2019-02-07. Review status: criteria provided, single submitter. Criteria: GeneDx Variant Classification Process June 2021. Collection method: clinical testing. Allele origin: germline. Affected: yes.
Comment: This variant is associated with the following publications: (PMID: 30287823)

Color Diagnostics, LLC DBA Color Health
Classification: Likely benign for Hereditary cancer-predisposing syndrome. Last evaluated: 2018-08-20. Review status: criteria provided, single submitter. Criteria: ACMG Guidelines, 2015. Collection method: clinical testing. Allele origin: germline.

Eurofins Ntd Llc (ga)
Classification: Uncertain significance. Last evaluated: 2015-01-07. Review status: criteria provided, single submitter. Criteria: EGL Classification Definitions 2015. Collection method: clinical testing. Allele origin: germline. Observed: 1 variant allele, 1 heterozygote.

Leiden Open Variation Database
Classification: Uncertain significance. Last evaluated: 2018-08-25. Review status: no assertion criteria provided. Collection method: curation. Allele origin: germline. Affected: yes. Not counted in ClinVar's aggregate classification.
Comment: Curators: Marc Tischkowitz, Arleen D. Auerbach. Submitter to LOVD: Yukihide Momozawa.

Department of Pathology and Laboratory Medicine, Sinai Health System
Classification: Likely benign for Malignant tumor of breast. Review status: no assertion criteria provided. Collection method: clinical testing. Allele origin: unknown. Affected: yes. Study: The Canadian Open Genetics Repository (COGR). Not counted in ClinVar's aggregate classification.
Comment: PALB2, EXON5, c.2505C>T, p.Ser835Ser, Heterozygous, Likely Benign The PALB2 p.Ser835= variant was identified in the literature in 1 of 24,980 control chromosomes from healthy individuals (frequency: 0.00008) in a large population study and was not identified in an affected population (Momozawa 2018). The variant was identified in dbSNP (rs756502783) as â€šÃ„Ãºwith likely benign, other alleleâ€šÃ„Ã¹, ClinVar (classified as likely benign by Invitae, GeneDx and 2 others; and as uncertain significance by EGL diagnostics) and LOVD 3.0 (observed 1x). The variant was identified in control databases in 2 of 245,838 chromosomes at a frequency of 0.000008 (Genome Aggregation Database Feb 27, 2017). The variant was observed in the following populations: African in 1 of 15,300 chromosomes (freq: 0.00006) and European in 1 of 111,350 chromosomes (freq: 0.000009), but not in the â€šÃ„ÃºOtherâ€šÃ„Ã¹, Latino, Ashkenazi Jewish, East Asian, Finnish, or South Asian populations. The p.Ser835= variant is not expected to have clinical significance because it does not result in a change of amino acid and is not a conserved nucleotide. In addition, the variant occurs outside of the splicing consensus sequence and in silico or computational prediction software programs (SpliceSiteFinder, MaxEntScan, NNSPLICE, GeneSplicer) do not predict a difference in splicing. In summary, based on the above information, the clinical significance of this variant cannot be determined with certainty at this time, although we would lean towards a more benign role for this variant. This variant is classified as likely benign. Assessment Date: 2019/07/23 References (PMIDs): 30287823

Genome Diagnostics Laboratory, Amsterdam University Medical Center
Classification: Likely benign. Review status: no assertion criteria provided. Collection method: clinical testing. Allele origin: germline. Affected: yes. Study: VKGL Data-share Consensus. Not counted in ClinVar's aggregate classification.

Laboratory of Diagnostic Genome Analysis, Leiden University Medical Center (LUMC)
Classification: Likely benign. Review status: no assertion criteria provided. Collection method: clinical testing. Allele origin: germline. Affected: yes. Study: VKGL Data-share Consensus. Not counted in ClinVar's aggregate classification.

Literature cited by the submitters: PubMed 30287823 (cited by Leiden Open Variation Database).